The following is an entry in ClinVar:

ClinVar aggregate classification (germline): Likely pathogenic (1 of 4 stars; one submission).

Conditions:
Autosomal recessive nonsyndromic hearing loss 4 (DFNB4). Also called: Deafness, autosomal recessive 4; Nonsyndromic enlarged vestibular aqueduct (NSEVA); FOXI1-Related Pendred Syndrome; KCNJ10-Related Pendred Syndrome; DEAFNESS, AUTOSOMAL RECESSIVE 4, WITH ENLARGED VESTIBULAR AQUEDUCT, DIGENIC; NEUROSENSORY NONSYNDROMIC RECESSIVE DEAFNESS 4. Identifiers: Orphanet 90636, MedGen C3538946, MONDO:0010933, OMIM 600791.

Submission:

Precision Medicine Center, Zhengzhou University
Classification: Likely pathogenic for Autosomal recessive nonsyndromic hearing loss 4. Review status: criteria provided, single submitter. Criteria: ACMG Guidelines, 2015. Collection method: clinical testing. Allele origin: germline. Affected: yes. Clinical features observed: Sensorineural hearing loss disorder (HP:0000407), Enlarged vestibular aqueduct syndrome (HP:0011387).
Comment: PM2_Supporting: not found in gnomAD. PP3: Variant is predicted to affect splicing: dbscSNV ADA score= 0.993789. PM3_Strong: pathogenic variants confirmed in trans in two patients (this study). PP4: Patient's phenotype highly specific for gene.

Literature cited by the submitters: PubMed 30311386.

NM_000441.2(SLC26A4):c.1264-6T>G

Gene: SLC26A4 (solute carrier family 26 member 4; plus strand). Cytogenetic location: 7q22.3.
Variant type: single nucleotide variant.
Coding change: c.1264-6T>G on transcript NM_000441.2 (MANE Select); 6 bases into the intron before coding-DNA position 1264, T replaced by G.
Molecular consequence: intron variant.
Genome position (GRCh38, 1-based): chr7:107,694,397, T>G. VCF-style: chr7-107694397-T-G. GRCh37 (hg19) VCF-style: chr7-107334842-T-G.
Identifiers: ClinVar variation 3233360 (VCV003233360.1), dbSNP rs2535326440, ClinGen allele CA2695203128.